The following is an entry in ClinVar:

NM_021870.3(FGG):c.331A>T (p.Lys111Ter)

Gene: FGG (fibrinogen gamma chain; minus strand). Cytogenetic location: 4q32.1.
Variant type: single nucleotide variant.
Coding change: c.331A>T on transcript NM_021870.3 (MANE Select); coding-DNA position 331, A replaced by T.
Protein change: p.Lys111Ter; replaces lysine 111 with a stop codon.
Molecular consequence: nonsense.
Genome position (GRCh38, 1-based): chr4:154,611,875, T>A on the plus strand (A>T on the coding strand, the complement: FGG is on the minus strand). VCF-style: chr4-154611875-T-A. GRCh37 (hg19) VCF-style: chr4-155533027-T-A.
Other names: c.331A>T, p.Lys111Ter (NM_000509.6); c.331A>T (NM_000509.4); short protein forms K111*.
Identifiers: ClinVar variation 626954 (VCV000626954.6), dbSNP rs1578812509, ClinGen allele CA358537917.

ClinVar aggregate classification (germline): Pathogenic. Review status: criteria provided, multiple submitters, no conflicts (2 of 4 stars). 5 submissions from 5 submitters: Pathogenic (5). Last evaluated 2025-12-29.

Conditions:
Familial dysfibrinogenemia. Also called: Dysfibrinogenemia, congenital. Identifiers: Orphanet 335, Orphanet 98881, MedGen C0272350, MONDO:0014452, OMIM 616004.
Abnormal bleeding. Also called: Bleeding diathesis. Identifiers: MedGen C1458140, HP:0001892.

Allele frequency attached by ClinVar (database versions not stated): gnomAD exomes below 0.00001.
gnomAD v4.1: 4 of 1,612,240 alleles (0.00025%); highest among the groups gnomAD compares: Non-Finnish European, 0.00034%; no homozygotes.

Submissions (5):

Center for Genomic Medicine, Rigshospitalet, Copenhagen University Hospital
Classification: Pathogenic. Last evaluated: 2025-12-29. Review status: criteria provided, single submitter. Criteria: ACMG Guidelines, 2015. Collection method: clinical testing. Allele origin: germline.
Comment: Classification criteria: PVS1, PS4_Moderate, PM2_supporting

Labcorp Genetics (formerly Invitae), Labcorp
Classification: Pathogenic. Last evaluated: 2025-02-24. Review status: criteria provided, single submitter. Criteria: Invitae Variant Classification Sherloc (09022015). Collection method: clinical testing. Allele origin: germline.
Comment: This sequence change creates a premature translational stop signal (p.Lys111*) in the FGG gene. It is expected to result in an absent or disrupted protein product. Loss-of-function variants in FGG are known to be pathogenic (PMID: 23852822). This variant is not present in population databases (gnomAD no frequency). This premature translational stop signal has been observed in individual(s) with fibrinogen abnormalities (PMID: 30349899, 35975558). This variant is also known as p.Lys85X. ClinVar contains an entry for this variant (Variation ID: 626954). For these reasons, this variant has been classified as Pathogenic.

GeneDx
Classification: Pathogenic. Last evaluated: 2024-03-19. Review status: criteria provided, single submitter. Criteria: GeneDx Variant Classification Process June 2021. Collection method: clinical testing. Allele origin: germline. Affected: yes.
Comment: Nonsense variant predicted to result in protein truncation or nonsense mediated decay in a gene for which loss of function is a known mechanism of disease; Published functional studies demonstrate absence of a full or truncated gamma subunit of fibrinogen in transfected cells, suggesting that the resulting protein is highly unstable if produced (PMID: 20135062); Not observed at significant frequency in large population cohorts (gnomAD); This variant is associated with the following publications: (PMID: 25525159, 35067535, 31797863, 20135062, 31064749, 31479941, 35975558, 30349899)

Women's Health and Genetics/Laboratory Corporation of America, LabCorp
Classification: Pathogenic for Familial dysfibrinogenemia. Last evaluated: 2024-01-05. Review status: criteria provided, single submitter. Criteria: LabCorp Variant Classification Summary - May 2015. Collection method: clinical testing. Allele origin: germline.
Comment: Variant summary: FGG c.331A>T (p.Lys111X) results in a premature termination codon, predicted to cause a truncation of the encoded protein or absence of the protein due to nonsense mediated decay, which are commonly known mechanisms for disease. The variant was absent in 249532 control chromosomes (gnomAD). c.331A>T has been reported in the literature in individuals affected with Congenital Dysfibrinogenemia (Zawilska_2010, Smith_2018, Weronska_2022). These data indicate that the variant is likely to be associated with disease. To our knowledge, no experimental evidence demonstrating an impact on protein function has been reported. The following publications have been ascertained in the context of this evaluation (PMID: 20135062, 30349899, 35975558). ClinVar contains an entry for this variant (Variation ID: 626954). Based on the evidence outlined above, the variant was classified as pathogenic.

NIHR Bioresource Rare Diseases, University of Cambridge
Classification: Pathogenic for Abnormal bleeding. Last evaluated: 2019-02-01. Review status: criteria provided, single submitter. Criteria: ACMG Guidelines, 2015. Collection method: research. Allele origin: unknown. Affected: yes. Observed: 1 heterozygote. Study: ThromboGenomics.

Literature cited by the submitters: PubMed 23852822 (cited by Labcorp Genetics (formerly Invitae), Labcorp); PubMed 30349899 (cited by Labcorp Genetics (formerly Invitae), Labcorp and Women's Health and Genetics/Laboratory Corporation of America, LabCorp); PubMed 35975558 (cited by Labcorp Genetics (formerly Invitae), Labcorp and Women's Health and Genetics/Laboratory Corporation of America, LabCorp); PubMed 20135062 (cited by Women's Health and Genetics/Laboratory Corporation of America, LabCorp); PubMed 31064749 (cited by NIHR Bioresource Rare Diseases, University of Cambridge).